The following is an entry in ClinVar:

ClinVar aggregate classification (germline): Uncertain significance (1 of 4 stars; one submission).

Conditions:
Blepharophimosis - intellectual disability syndrome, SBBYS type (SBBYSS). Also called: Say-Barber-Biesecker-Young-Simpson syndrome; Ohdo syndrome, SBBYS variant; SBBYSS syndrome; Say-Barber-Biesecker-Young-Simpson variant of Ohdo Syndrome; Say-Barber-Biesecker Variant of Ohdo Syndrome; Say-Barber-Biesecker variant of Ohdo syndrome (SBBYSS). Identifiers: Orphanet 3047, MedGen C1863557, MONDO:0011365, OMIM 603736.
Genitopatellar syndrome (GTPTS). Also called: ABSENT PATELLAE, SCROTAL HYPOPLASIA, RENAL ANOMALIES, FACIAL DYSMORPHISM, AND MENTAL RETARDATION; Genitopatellar syndrome (GPS). Identifiers: Orphanet 85201, MedGen C1853566, MONDO:0011640, OMIM 606170.

Submission:

Institute of Human Genetics, University of Goettingen
Classification: Uncertain significance for Genitopatellar syndrome; Blepharophimosis - intellectual disability syndrome, SBBYS type. Last evaluated: 2025-02-18. Review status: criteria provided, single submitter. Criteria: ACMG Guidelines, 2015. Collection method: clinical testing. Allele origin: unknown. Inheritance: Autosomal dominant inheritance. Affected: yes. Observed: 1 heterozygote.
Comment: The variant c.3226T>G (p.(Trp1076Gly)) in exon 18 of the KAT6B-gene is not found in the gnomAD database. It affects a moderately conserved nucleotide, and a moderately conserved amino acid and there is a large physicochemical difference between Trp and Gly. This variant has a pathogenic computational verdict based on in silico prediction algorithms. ACMG criteria used for classification: PM2_sup, PP3_sup

NM_012330.4(KAT6B):c.3775T>G (p.Trp1259Gly)

Gene: KAT6B (lysine acetyltransferase 6B; plus strand). Cytogenetic location: 10q22.2.
Variant type: single nucleotide variant.
Coding change: c.3775T>G on transcript NM_012330.4 (MANE Select); coding-DNA position 3775, T replaced by G.
Protein change: p.Trp1259Gly; replaces tryptophan 1259 with glycine.
Molecular consequence: missense variant.
Genome position (GRCh38, 1-based): chr10:75,028,599, T>G. VCF-style: chr10-75028599-T-G. GRCh37 (hg19) VCF-style: chr10-76788357-T-G.
Other names: c.3226T>G, p.Trp1076Gly (NM_001256468.2, NM_001370138.1); c.2899T>G, p.Trp967Gly (NM_001256469.2, NM_001370139.1, NM_001370140.1 and 2 more transcripts); c.2737T>G, p.Trp913Gly (NM_001370132.1); c.2086T>G, p.Trp696Gly (NM_001370133.1); c.1690T>G, p.Trp564Gly (NM_001370134.1); c.1432T>G, p.Trp478Gly (NM_001370135.1); c.3775T>G, p.Trp1259Gly (NM_001370136.1, NM_001370137.1); c.2710T>G, p.Trp904Gly (NM_001370143.1, NM_001370144.1); short protein forms W1076G, W1259G, W478G, W564G, W696G, W904G, W913G, W967G.
Identifiers: ClinVar variation 3775163 (VCV003775163.1).